The following is an entry in ClinVar:

ClinVar aggregate classification (germline): Uncertain significance. Review status: criteria provided, multiple submitters, no conflicts (2 of 4 stars). 2 submissions from 2 submitters: Uncertain significance (2). Last evaluated 2024-03-10.

Conditions:
Hereditary cancer-predisposing syndrome. Also called: Tumor predisposition; Neoplastic Syndromes, Hereditary; Hereditary Cancer Syndrome; Hereditary neoplastic syndrome. Identifiers: Orphanet 140162, MedGen C0027672, MeSH D009386, MONDO:0015356.
Ataxia-telangiectasia syndrome (AT). Also called: ATAXIA-TELANGIECTASIA, FRESNO VARIANT; Ataxia-telangiectasia, complementation group D; AT, COMPLEMENTATION GROUP C; Ataxia-telangiectasia; Ataxia-telangiectasia, complementation group E; Ataxia telangiectasia (A-T). Identifiers: Orphanet 100, MedGen C0004135, MONDO:0008840, OMIM 208900.

gnomAD v4.1: 6 of 1,613,712 alleles (0.00037%); highest among the groups gnomAD compares: Non-Finnish European, 0.00042%; no homozygotes.

Submissions (2):

Ambry Genetics
Classification: Uncertain significance for Hereditary cancer-predisposing syndrome. Last evaluated: 2024-03-10. Review status: criteria provided, single submitter. Criteria: Ambry Variant Classification Scheme 2023. Collection method: clinical testing. Allele origin: germline.
Comment: The p.E1751D variant (also known as c.5253G>T), located in coding exon 34 of the ATM gene, results from a G to T substitution at nucleotide position 5253. The glutamic acid at codon 1751 is replaced by aspartic acid, an amino acid with highly similar properties. This amino acid position is conserved. In addition, this alteration is predicted to be tolerated by in silico analysis. Based on the available evidence, the clinical significance of this alteration remains unclear.

Labcorp Genetics (formerly Invitae), Labcorp
Classification: Uncertain significance for Ataxia-telangiectasia syndrome. Last evaluated: 2020-05-27. Review status: criteria provided, single submitter. Criteria: Invitae Variant Classification Sherloc (09022015). Collection method: clinical testing. Allele origin: germline.
Comment: This variant has not been reported in the literature in individuals with ATM-related conditions. Algorithms developed to predict the effect of missense changes on protein structure and function output the following: SIFT: "Tolerated"; PolyPhen-2: "Benign"; Align-GVGD: "Class C0". The aspartic acid amino acid residue is found in multiple mammalian species, suggesting that this missense change does not adversely affect protein function. These predictions have not been confirmed by published functional studies and their clinical significance is uncertain. In summary, the available evidence is currently insufficient to determine the role of this variant in disease. Therefore, it has been classified as a Variant of Uncertain Significance. This variant is not present in population databases (ExAC no frequency). This sequence change replaces glutamic acid with aspartic acid at codon 1751 of the ATM protein (p.Glu1751Asp). The glutamic acid residue is moderately conserved and there is a small physicochemical difference between glutamic acid and aspartic acid.

NM_000051.4(ATM):c.5253G>T (p.Glu1751Asp)

Gene: ATM (ATM serine/threonine kinase; plus strand). Cytogenetic location: 11q22.3.
Variant type: single nucleotide variant.
Coding change: c.5253G>T on transcript NM_000051.4 (MANE Select); coding-DNA position 5253, G replaced by T.
Protein change: p.Glu1751Asp; replaces glutamic acid 1751 with aspartic acid.
Molecular consequence: missense variant.
Genome position (GRCh38, 1-based): chr11:108,301,723, G>T. VCF-style: chr11-108301723-G-T. GRCh37 (hg19) VCF-style: chr11-108172450-G-T.
Other names: c.5253G>T (NM_000051.3); c.5253G>T, p.Glu1751Asp (NM_001351834.2); short protein forms E1751D.
Identifiers: ClinVar variation 1062543 (VCV001062543.10), dbSNP rs1370155496, ClinGen allele CA382542486.